The following is an entry in ClinVar:

NM_005732.4(RAD50):c.2585A>C (p.His862Pro)

Gene: RAD50 (RAD50 double strand break repair protein; plus strand). Cytogenetic location: 5q31.1.
Variant type: single nucleotide variant.
Coding change: c.2585A>C on transcript NM_005732.4 (MANE Select); coding-DNA position 2585, A replaced by C.
Protein change: p.His862Pro; replaces histidine 862 with proline.
Molecular consequence: missense variant.
Genome position (GRCh38, 1-based): chr5:132,604,866, A>C. VCF-style: chr5-132604866-A-C. GRCh37 (hg19) VCF-style: chr5-131940558-A-C.
Other names: short protein forms H862P.
Identifiers: ClinVar variation 1793419 (VCV001793419.2), dbSNP rs199802777, ClinGen allele CA360956447.

ClinVar aggregate classification (germline): Uncertain significance (1 of 4 stars; one submission).

Conditions:
Hereditary cancer-predisposing syndrome. Also called: Tumor predisposition; Hereditary Cancer Syndrome; Neoplastic Syndromes, Hereditary; Hereditary neoplastic syndrome. Identifiers: Orphanet 140162, MedGen C0027672, MeSH D009386, MONDO:0015356.

gnomAD v4.1: 1 of 1,613,824 alleles (0.000062%); highest among the groups gnomAD compares: Non-Finnish European, 0.000085%; no homozygotes.

Submission:

Ambry Genetics
Classification: Uncertain significance for Hereditary cancer-predisposing syndrome. Last evaluated: 2020-02-06. Review status: criteria provided, single submitter. Criteria: Ambry Variant Classification Scheme 2023. Collection method: clinical testing. Allele origin: germline.
Comment: The p.H862P variant (also known as c.2585A>C), located in coding exon 16 of the RAD50 gene, results from an A to C substitution at nucleotide position 2585. The histidine at codon 862 is replaced by proline, an amino acid with similar properties. This amino acid position is not well conserved in available vertebrate species. In addition, this alteration is predicted to be tolerated by in silico analysis. Since supporting evidence is limited at this time, the clinical significance of this alteration remains unclear.